The following is an entry in ClinVar:

NM_000329.3(RPE65):c.1155G>A (p.Thr385=)

Gene: RPE65 (retinoid isomerohydrolase RPE65; minus strand). Cytogenetic location: 1p31.3.
Variant type: single nucleotide variant.
Coding change: c.1155G>A on transcript NM_000329.3 (MANE Select); coding-DNA position 1155, G replaced by A.
Protein change: p.Thr385=; no amino-acid change (threonine 385 retained).
Molecular consequence: synonymous variant.
Genome position (GRCh38, 1-based): chr1:68,431,559, C>T on the plus strand (G>A on the coding strand, the complement: RPE65 is on the minus strand). VCF-style: chr1-68431559-C-T. GRCh37 (hg19) VCF-style: chr1-68897242-C-T.
Other names: NM_000329.3(RPE65):c.1155G>A; p.Thr385=.
Identifiers: ClinVar variation 98828 (VCV000098828.23), dbSNP rs62653014, ClinGen allele CA226488.
Genomic context (GRCh38, chr1:68,431,559, plus strand): 5'-AGGCTCCAGCCAGATAGTCTCGTCACTGCACAGAATTGCAGTGGCAGTTGTATTGGGGAG[C>T]GTGACTAAATTCTTGCCTGTGTCAGCCTAGGAGAGAAGATAACAGAAACCTCAGTGAGCA-3'
Protein context (NP_000320.1, residues 375-395): DKADTGKNLV[Thr385=]LPNTTATAIL

ClinVar aggregate classification (germline): Benign. Review status: reviewed by expert panel (3 of 4 stars). 12 submissions from 11 submitters: Benign (1). 11 of the submissions do not count toward it. Last evaluated 2023-12-22.

Conditions:
Retinitis pigmentosa (RP). Identifiers: Orphanet 791, MedGen C0035334, MeSH D012174, MONDO:0019200, OMIM 268000. Inheritance: Autosomal dominant, autosomal recessive and X linked inheritance.
RPE65-related recessive retinopathy. Also called: Recessive RPE65 retinopathy. Identifiers: MedGen CN305526, MONDO:0100368.
Retinitis pigmentosa 87 with choroidal involvement. Identifiers: MedGen C5231465, MONDO:0032873, OMIM 618697.
Retinitis pigmentosa 20 (RP20). Identifiers: Orphanet 791, MedGen C3151086, MONDO:0013425, OMIM 613794.
Leber congenital amaurosis 2 (LCA2). Also called: AMAUROSIS CONGENITA OF LEBER II; Autosomal Recessive RPE65-Related Retinal Degeneration. Identifiers: Orphanet 65, MedGen C1859844, MONDO:0008765, OMIM 204100. Disease mechanism: loss of function.

Allele frequency attached by ClinVar (database versions not stated): gnomAD exomes 0.00105 and 0.00200; ExAC 0.00225; gnomAD 0.00481; 1000 Genomes Project 30x 0.00484; ESP Exome Variant Server 0.00515; 1000 Genomes Project 0.00519; TOPMed 0.00621.
gnomAD v4.1: 2,476 of 1,613,808 alleles (0.15%); highest among the groups gnomAD compares: African/African-American, 1.8%; 12 homozygotes.

Submissions (12):

ClinGen Leber Congenital Amaurosis/early Onset Retinal Dystrophy Variant Curation Expert Panel, ClinGen
Classification: Benign for RPE65-related recessive retinopathy. Last evaluated: 2023-12-22. Review status: reviewed by expert panel. Criteria: ClinGen LCAeoRD ACMG Specifications RPE65 V1.0.0. Collection method: curation. Allele origin: germline. Inheritance: Autosomal recessive inheritance.
Comment: NM_000329.3(RPE65):c.1155G>A (p.Thr385=) is a synonymous variant at codon 385. The splicing impact predictor SpliceAI gives a delta score of 0.00, which is below the ClinGen LCA / eoRD VCEP recommended threshold of <0.1 and does not predict an impact on splicing (BP4, BP7). This variant is present in gnomAD v.2.1.1 at a GrpMax allele frequency of 0.01596, with 704 alleles / 41408 total alleles in the African/African American population, which is higher than the ClinGen LCA / eoRD VCEP BA1 threshold of >0.008 (BA1). In summary, this variant meets the criteria to be classified as benign for RPE65-related recessive retinopathy based on the ACMG/AMP criteria applied, as specified by the ClinGen LCA/eoRD VCEP: BA1, BP4, BP7. (VCEP specifications version 1.0.0; date of approval 09/21/2023).

Labcorp Genetics (formerly Invitae), Labcorp
Classification: Benign for Leber congenital amaurosis 2; Retinitis pigmentosa 20. Last evaluated: 2026-02-04. Review status: criteria provided, single submitter. Criteria: Invitae Variant Classification Sherloc (09022015). Collection method: clinical testing. Allele origin: germline. Not counted in ClinVar's aggregate classification.

Blueprint Genetics
Classification: Likely benign. Last evaluated: 2024-11-05. Review status: criteria provided, single submitter. Criteria: ACMG Guidelines, 2015. Collection method: clinical testing. Allele origin: germline. Not counted in ClinVar's aggregate classification.

Fulgent Genetics
Classification: Likely benign for Leber congenital amaurosis 2; Retinitis pigmentosa 20; Retinitis pigmentosa 87 with choroidal involvement. Last evaluated: 2021-09-27. Review status: criteria provided, single submitter. Criteria: ACMG Guidelines, 2015. Collection method: clinical testing. Allele origin: unknown. Not counted in ClinVar's aggregate classification.

Illumina Laboratory Services, Illumina
Classification: Benign for Leber congenital amaurosis 2. Last evaluated: 2017-09-15. Review status: criteria provided, single submitter. Criteria: ICSL Variant Classification Criteria 13 December 2019. Collection method: clinical testing. Allele origin: germline. Not counted in ClinVar's aggregate classification.
Comment: This variant was observed as part of a predisposition screen in an ostensibly healthy population. A literature search was performed for the gene, cDNA change, and amino acid change (where applicable). Publications were found based on this search. The evidence from the literature, in combination with allele frequency data from public databases where available, was sufficient to rule this variant out of causing disease. Therefore, this variant is classified as benign.

Illumina Laboratory Services, Illumina
Classification: Benign for Retinitis pigmentosa. Last evaluated: 2017-09-15. Review status: criteria provided, single submitter. Criteria: ICSL Variant Classification Criteria 13 December 2019. Collection method: clinical testing. Allele origin: germline. Not counted in ClinVar's aggregate classification.
Comment: the same text as in the submission from Illumina Laboratory Services, Illumina above.

GeneDx
Classification: Benign. Last evaluated: 2015-03-03. Review status: criteria provided, single submitter. Criteria: GeneDx Variant Classification Process June 2021. Collection method: clinical testing. Allele origin: germline. Affected: yes. Not counted in ClinVar's aggregate classification.

Breakthrough Genomics
Classification: Likely benign. Review status: criteria provided, single submitter. Criteria: ACMG Guidelines, 2015. Collection method: not provided. Allele origin: germline. Inheritance: Autosomal recessive inheritance. Affected: yes. Not counted in ClinVar's aggregate classification.

Counsyl
Classification: Likely benign for Leber congenital amaurosis 2; Retinitis pigmentosa 20. Last evaluated: 2017-03-16. Review status: no assertion criteria provided. Collection method: clinical testing. Allele origin: unknown. Not counted in ClinVar's aggregate classification.

Clinical Genetics DNA and cytogenetics Diagnostics Lab, Erasmus MC, Erasmus Medical Center
Classification: Likely benign. Review status: no assertion criteria provided. Collection method: clinical testing. Allele origin: germline. Affected: yes. Study: VKGL Data-share Consensus. Not counted in ClinVar's aggregate classification.

Clinical Genetics, Academic Medical Center
Classification: Benign. Review status: no assertion criteria provided. Collection method: clinical testing. Allele origin: germline. Affected: yes. Study: VKGL Data-share Consensus. Not counted in ClinVar's aggregate classification.

Retina International
No classification provided. Review status: no classification provided. Collection method: not provided. Allele origin: not provided. Not counted in ClinVar's aggregate classification.

Literature cited by the submitters: PubMed 18722466 (cited by Illumina Laboratory Services, Illumina and Counsyl); PubMed 9501220 (cited by Illumina Laboratory Services, Illumina and Counsyl); PubMed 11462243 (cited by Illumina Laboratory Services, Illumina and Counsyl); PubMed 14971589 (cited by Counsyl).